The following is an entry in ClinVar:

ClinVar aggregate classification (germline): Uncertain significance (1 of 4 stars; one submission).

Submission:

Labcorp Genetics (formerly Invitae), Labcorp
Classification: Uncertain significance. Last evaluated: 2024-04-09. Review status: criteria provided, single submitter. Criteria: Invitae Variant Classification Sherloc (09022015). Collection method: clinical testing. Allele origin: germline.
Comment: This sequence change replaces histidine, which is basic and polar, with aspartic acid, which is acidic and polar, at codon 54 of the KMT2E protein (p.His54Asp). This variant is not present in population databases (gnomAD no frequency). This variant has not been reported in the literature in individuals affected with KMT2E-related conditions. Advanced modeling of protein sequence and biophysical properties (such as structural, functional, and spatial information, amino acid conservation, physicochemical variation, residue mobility, and thermodynamic stability) has been performed at Invitae for this missense variant, however the output from this modeling did not meet the statistical confidence thresholds required to predict the impact of this variant on KMT2E protein function. In summary, the available evidence is currently insufficient to determine the role of this variant in disease. Therefore, it has been classified as a Variant of Uncertain Significance.

NM_182931.3(KMT2E):c.160C>G (p.His54Asp)

Gene: KMT2E (lysine methyltransferase 2E (inactive); plus strand). Cytogenetic location: 7q22.3.
Variant type: single nucleotide variant.
Coding change: c.160C>G on transcript NM_182931.3 (MANE Select); coding-DNA position 160, C replaced by G.
Protein change: p.His54Asp; replaces histidine 54 with aspartic acid.
Molecular consequence: missense variant.
Genome position (GRCh38, 1-based): chr7:105,062,252, C>G. VCF-style: chr7-105062252-C-G. GRCh37 (hg19) VCF-style: chr7-104702699-C-G.
Other names: c.160C>G, p.His54Asp (NM_001410908.1, NM_018682.4); short protein forms H54D.
Identifiers: ClinVar variation 3682235 (VCV003682235.2).